The following is an entry in ClinVar:

NM_001110556.2(FLNA):c.7553-15_7553-11del

Gene: FLNA (filamin A; minus strand). Cytogenetic location: Xq28.
Variant type: Deletion.
Coding change: c.7553-15_7553-11del on transcript NM_001110556.2 (MANE Select); 15 bases into the intron before coding-DNA position 7553 through 11 bases into the intron before coding-DNA position 7553, 5 bases deleted (CACTC; older notation c.7553-15_7553-11delCACTC).
Molecular consequence: intron variant.
Genome position (GRCh38, 1-based): chrX:154,349,576-154,349,580, GAGTG deleted on the plus strand (CACTC on the coding strand, the reverse complement: FLNA is on the minus strand); deleting any 5 consecutive bases within chrX:154,349,576-154,349,581 gives the same sequence; the c. name uses the placement nearest the transcript's 3' end. VCF-style (leftmost placement, unchanged base first): chrX-154349575-AGAGTG-A. GRCh37 (hg19) VCF-style: chrX-153577943-AGAGTG-A.
Other names: c.7529-15_7529-11del (NM_001456.4).
Identifiers: ClinVar variation 4783951 (VCV004783951.1).

ClinVar aggregate classification (germline): Uncertain significance (1 of 4 stars; one submission).

Conditions:
Heterotopia, periventricular, X-linked dominant (PVNH1). Also called: PERIVENTRICULAR NODULAR HETEROTOPIA 4; HETEROTOPIA, PERIVENTRICULAR, 1; PERIVENTRICULAR NODULAR HETEROTOPIA 1; X-linked periventricular heterotopia. Identifiers: Orphanet 2149, Orphanet 82004, MedGen C1848213, MONDO:0010233, OMIM 300049.
Oto-palato-digital syndrome, type II (OPD2). Also called: Otopalatodigital Syndrome, Type II; FACIOPALATOOSSEOUS SYNDROME; OPD II SYNDROME; Otopalatodigital Syndrome Type 2 (FLNA-OPD2). Identifiers: Orphanet 669, Orphanet 90652, MedGen C1844696, MONDO:0010571, OMIM 304120.
Melnick-Needles syndrome (MNS). Also called: MELNICK-NEEDLES OSTEODYSPLASTY; OSTEODYSPLASTY OF MELNICK AND NEEDLES; Melnick-Needles Syndrome (FLNA-MNS). Identifiers: Orphanet 2484, MedGen C0025237, MONDO:0010650, OMIM 309350.
Frontometaphyseal dysplasia (FMD1). Identifiers: Orphanet 1826, MedGen C0265293, MONDO:0015942.

Submission:

Labcorp Genetics (formerly Invitae), Labcorp
Classification: Uncertain significance for Oto-palato-digital syndrome, type II; Heterotopia, periventricular, X-linked dominant; Frontometaphyseal dysplasia; Melnick-Needles syndrome. Last evaluated: 2025-12-22. Review status: criteria provided, single submitter. Criteria: Invitae Variant Classification Sherloc (09022015). Collection method: clinical testing. Allele origin: germline.
Comment: This sequence change falls in intron 45 of the FLNA gene. It does not directly change the encoded amino acid sequence of the FLNA protein. This variant is not present in population databases (gnomAD no frequency). This variant has not been reported in the literature in individuals affected with FLNA-related conditions. Algorithms developed to predict the effect of sequence changes on RNA splicing suggest that this variant may disrupt the consensus splice site. In summary, the available evidence is currently insufficient to determine the role of this variant in disease. Therefore, it has been classified as a Variant of Uncertain Significance.